The following is an entry in ClinVar:

NM_032273.4(TMEM126A):c.440A>G (p.Tyr147Cys)

Gene: TMEM126A (transmembrane protein 126A; plus strand). Cytogenetic location: 11q14.1.
Variant type: single nucleotide variant.
Coding change: c.440A>G on transcript NM_032273.4 (MANE Select); coding-DNA position 440, A replaced by G.
Protein change: p.Tyr147Cys; replaces tyrosine 147 with cysteine.
Molecular consequence: missense variant.
Genome position (GRCh38, 1-based): chr11:85,656,353, A>G. VCF-style: chr11-85656353-A-G. GRCh37 (hg19) VCF-style: chr11-85367397-A-G.
Other names: c.230A>G, p.Tyr77Cys (NM_001244735.2); short protein forms Y147C, Y77C.
Identifiers: ClinVar variation 1019068 (VCV001019068.8), dbSNP rs2082539893, ClinGen allele CA381997460.

ClinVar aggregate classification (germline): Uncertain significance (1 of 4 stars; one submission).

Allele frequency attached by ClinVar (database versions not stated): gnomAD exomes below 0.00001.

Submission:

Labcorp Genetics (formerly Invitae), Labcorp
Classification: Uncertain significance. Last evaluated: 2022-03-10. Review status: criteria provided, single submitter. Criteria: Invitae Variant Classification Sherloc (09022015). Collection method: clinical testing. Allele origin: germline.
Comment: This variant is not present in population databases (gnomAD no frequency). This sequence change replaces tyrosine, which is neutral and polar, with cysteine, which is neutral and slightly polar, at codon 147 of the TMEM126A protein (p.Tyr147Cys). In summary, the available evidence is currently insufficient to determine the role of this variant in disease. Therefore, it has been classified as a Variant of Uncertain Significance. Algorithms developed to predict the effect of missense changes on protein structure and function (SIFT, PolyPhen-2, Align-GVGD) all suggest that this variant is likely to be disruptive. ClinVar contains an entry for this variant (Variation ID: 1019068). This variant has not been reported in the literature in individuals affected with TMEM126A-related conditions.